The following is an entry in ClinVar:

NM_002645.4(PIK3C2A):c.154C>G (p.Gln52Glu)

Gene: PIK3C2A (phosphatidylinositol-4-phosphate 3-kinase catalytic subunit type 2 alpha; minus strand). Cytogenetic location: 11p15.1.
Variant type: single nucleotide variant.
Coding change: c.154C>G on transcript NM_002645.4 (MANE Select); coding-DNA position 154, C replaced by G.
Protein change: p.Gln52Glu; replaces glutamine 52 with glutamic acid.
Molecular consequence: missense variant. On other transcripts: intron variant (1).
Genome position (GRCh38, 1-based): chr11:17,169,588, G>C on the plus strand (C>G on the coding strand, the complement: PIK3C2A is on the minus strand). VCF-style: chr11-17169588-G-C. GRCh37 (hg19) VCF-style: chr11-17191135-G-C.
Other names: c.154C>G, p.Gln52Glu (NM_001321378.2, NM_001386870.1); c.-75-13959C>G (NM_001321380.2); short protein forms Q52E.
Identifiers: ClinVar variation 2148240 (VCV002148240.1), dbSNP rs200307463, ClinGen allele CA5901616.
Genomic context (GRCh38, chr11:17,169,588, plus strand): 5'-CCTGCTTGTTATAAACCTGTGCTTTTTTTCTGGTGCTGCTTGACAACTCAAAGCCTCTCT[G>C]ATTGTCAGTCACTTGTCTATCCTTTTGCAGTTTTGCTAAAGCCTCTGCTTCCATCTGTAA-3'
Protein context (NP_002636.2, residues 42-62): LQKDRQVTDN[Gln52Glu]RGFELSSSTR

ClinVar aggregate classification (germline): Uncertain significance (1 of 4 stars; one submission).

Allele frequency attached by ClinVar (database versions not stated): gnomAD 0.00002; TOPMed 0.00003; ExAC 0.00004.
gnomAD v4.1: 50 of 1,613,994 alleles (0.0031%); highest among the groups gnomAD compares: Admixed American, 0.027%; no homozygotes.

Submission:

Labcorp Genetics (formerly Invitae), Labcorp
Classification: Uncertain significance. Last evaluated: 2022-08-21. Review status: criteria provided, single submitter. Criteria: Invitae Variant Classification Sherloc (09022015). Collection method: clinical testing. Allele origin: germline.
Comment: This sequence change replaces glutamine, which is neutral and polar, with glutamic acid, which is acidic and polar, at codon 52 of the PIK3C2A protein (p.Gln52Glu). This variant is present in population databases (rs200307463, gnomAD 0.009%). This variant has not been reported in the literature in individuals affected with PIK3C2A-related conditions. Algorithms developed to predict the effect of missense changes on protein structure and function are either unavailable or do not agree on the potential impact of this missense change (SIFT: "Not Available"; PolyPhen-2: "Benign"; Align-GVGD: "Not Available"). In summary, the available evidence is currently insufficient to determine the role of this variant in disease. Therefore, it has been classified as a Variant of Uncertain Significance.